The following is an entry in ClinVar:

NM_001366385.1(CARD14):c.1700G>A (p.Ser567Asn)

Gene: CARD14 (caspase recruitment domain family member 14; plus strand). Cytogenetic location: 17q25.3.
Variant type: single nucleotide variant.
Coding change: c.1700G>A on transcript NM_001366385.1 (MANE Select); coding-DNA position 1700, G replaced by A.
Protein change: p.Ser567Asn; replaces serine 567 with asparagine.
Molecular consequence: missense variant. On other transcripts: non-coding transcript variant (1).
Genome position (GRCh38, 1-based): chr17:80,198,440, G>A. VCF-style: chr17-80198440-G-A. GRCh37 (hg19) VCF-style: chr17-78172239-G-A.
Other names: c.1700G>A (NM_024110.3); c.1700G>A, p.Ser567Asn (NM_001257970.1, NM_024110.4); c.989G>A, p.Ser330Asn (NM_052819.3); short protein forms S330N, S567N.
Identifiers: ClinVar variation 1353836 (VCV001353836.7), dbSNP rs370687430, ClinGen allele CA294875492.

ClinVar aggregate classification (germline): Uncertain significance. Review status: criteria provided, multiple submitters, no conflicts (2 of 4 stars). 2 submissions from 2 submitters: Uncertain significance (2). Last evaluated 2025-06-14.

Conditions:
Inborn genetic diseases. Identifiers: MedGen C0950123, MeSH D030342.
Pityriasis rubra pilaris (PRP). Also called: Pityriasis rubra pilaris--familial type. Identifiers: Orphanet 2897, MedGen C0032027, MONDO:0100017, OMIM 173200, MONDO:0008251.
Psoriasis 2. Identifiers: MedGen C1864497, MONDO:0011269, OMIM 602723.

Allele frequency attached by ClinVar (database versions not stated): gnomAD 0.00001; TOPMed 0.00002; gnomAD exomes 0.00003; ESP Exome Variant Server 0.00008.
gnomAD v4.1: 44 of 1,611,022 alleles (0.0027%); highest among the groups gnomAD compares: Non-Finnish European, 0.0037%; no homozygotes.

Submissions (2):

Labcorp Genetics (formerly Invitae), Labcorp
Classification: Uncertain significance for Pityriasis rubra pilaris; Psoriasis 2. Last evaluated: 2025-06-14. Review status: criteria provided, single submitter. Criteria: Invitae Variant Classification Sherloc (09022015). Collection method: clinical testing. Allele origin: germline.
Comment: This sequence change replaces serine, which is neutral and polar, with asparagine, which is neutral and polar, at codon 567 of the CARD14 protein (p.Ser567Asn). This variant is not present in population databases (gnomAD no frequency). This variant has not been reported in the literature in individuals affected with CARD14-related conditions. ClinVar contains an entry for this variant (Variation ID: 1353836). Invitae Evidence Modeling of protein sequence and biophysical properties (such as structural, functional, and spatial information, amino acid conservation, physicochemical variation, residue mobility, and thermodynamic stability) indicates that this missense variant is not expected to disrupt CARD14 protein function with a negative predictive value of 95%. In summary, the available evidence is currently insufficient to determine the role of this variant in disease. Therefore, it has been classified as a Variant of Uncertain Significance.

Ambry Genetics
Classification: Uncertain significance for Inborn genetic diseases. Last evaluated: 2025-01-23. Review status: criteria provided, single submitter. Criteria: Ambry Variant Classification Scheme 2023. Collection method: clinical testing. Allele origin: germline.